The following is an entry in ClinVar:

ClinVar aggregate classification (germline): Conflicting classifications of pathogenicity. Review status: criteria provided, conflicting classifications (1 of 4 stars). 17 submissions from 15 submitters: Uncertain significance (10); Likely benign (6). 1 of the submissions does not count toward it. Last evaluated 2026-01-31.

Conditions:
SCN9A-related disorder. Also called: SCN9A-related disorders; SCN9A-related condition.
Neuropathy, hereditary sensory and autonomic, type 2A (HSAN2A). Also called: HSAN IIA; ACROOSTEOLYSIS, GIACCAI TYPE; ACROOSTEOLYSIS, NEUROGENIC; MORVAN DISEASE; WNK1-Related HSAN2 (HSAN2A); NEUROPATHY, CONGENITAL SENSORY. Identifiers: Orphanet 970, MedGen C2752089, MONDO:0024309, OMIM 201300.
Generalized epilepsy with febrile seizures plus, type 7 (GEFSP7). Also called: GEFS+, TYPE 7. Identifiers: Orphanet 36387, MedGen C2751778, MONDO:0013470, OMIM 613863.
Inborn genetic diseases. Identifiers: MedGen C0950123, MeSH D030342.
Primary erythromelalgia. Also called: SCN9A Erythromelalgia (SCN9A-EM); primary erythermalgia. Identifiers: Orphanet 306577, Orphanet 90026, MedGen C0014805, MONDO:0007571, OMIM 133020.
Channelopathy-associated congenital insensitivity to pain, autosomal recessive. Also called: ASYMBOLIA FOR PAIN; CONGENITAL ANALGESIA, AUTOSOMAL RECESSIVE; Insensitivity to pain, channelopathy-associated. Identifiers: Orphanet 88642, Orphanet 970, MedGen C1855739, MONDO:0009459, OMIM 243000.
Paroxysmal extreme pain disorder (PEXPD). Also called: SCN9A Paroxysmal Extreme Pain Disorder (SCN9A-PEPD); PAIN, SUBMANDIBULAR, OCULAR, AND RECTAL, WITH FLUSHING; RECTAL PAIN, FAMILIAL. Identifiers: Orphanet 46348, MedGen C1833661, MONDO:0008179, OMIM 167400.
Seizure. Also called: Seizures. Identifiers: MedGen C0036572, HP:0001250.

Allele frequency attached by ClinVar (database versions not stated): ExAC 0.00043; gnomAD exomes 0.00045 and 0.00100; 1000 Genomes Project 30x 0.00047; gnomAD 0.00059 and 0.00062; 1000 Genomes Project 0.00060; TOPMed 0.00063; ESP Exome Variant Server 0.00091.
gnomAD v4.1: 1,539 of 1,613,682 alleles (0.095%); highest among the groups gnomAD compares: Non-Finnish European, 0.12%; 1 homozygote.

Submissions (17):

Labcorp Genetics (formerly Invitae), Labcorp
Classification: Likely benign for Neuropathy, hereditary sensory and autonomic, type 2A; Generalized epilepsy with febrile seizures plus, type 7. Last evaluated: 2026-01-31. Review status: criteria provided, single submitter. Criteria: Invitae Variant Classification Sherloc (09022015). Collection method: clinical testing. Allele origin: germline.

PreventionGenetics, part of Exact Sciences
Classification: Likely benign for SCN9A-related condition. Last evaluated: 2026-01-28. Review status: criteria provided, single submitter. Criteria: ACMG Guidelines, 2015. Collection method: clinical testing. Allele origin: germline.
Comment: This variant is classified as likely benign based on ACMG/AMP sequence variant interpretation guidelines (Richards et al. 2015 PMID: 25741868, with internal and published modifications).

Women's Health and Genetics/Laboratory Corporation of America, LabCorp
Classification: Uncertain significance. Last evaluated: 2026-01-14. Review status: criteria provided, single submitter. Criteria: LabCorp Variant Classification Summary - May 2015. Collection method: clinical testing. Allele origin: germline.
Comment: Variant summary: SCN9A c.1555G>A (p.Glu519Lys) results in a conservative amino acid change in the encoded protein sequence. Algorithms developed to predict the effect of missense changes on protein structure and function are either unavailable or do not agree on the potential impact of this missense change. The variant allele was found at a frequency of 0.00045 in 248934 control chromosomes in the gnomAD database, including 1 homozygotes. This frequency is not significantly higher than estimated for disease-causing variants in SCN9A, allowing no conclusion about variant significance. c.1555G>A has been observed in an individual affected with Dravet syndrome without strong evidence for causality (Singh_2009). These report(s) do not provide unequivocal conclusions about association of the variant with Channelopathy-Associated Congenital Insensitivity To Pain, Autosomal Recessive. To our knowledge, no experimental evidence demonstrating an impact on protein function has been reported. The following publication has been ascertained in the context of this evaluation (PMID: 19763161). ClinVar contains an entry for this variant (Variation ID: 193859). Based on the evidence outlined above, the variant was classified as uncertain significance.

Mayo Clinic Laboratories, Mayo Clinic
Classification: Uncertain significance. Last evaluated: 2025-06-09. Review status: criteria provided, single submitter. Criteria: ACMG Guidelines, 2015. Collection method: clinical testing. Allele origin: germline. Observed: 3 variant alleles.
Comment: BS1

GeneDx
Classification: Uncertain significance. Last evaluated: 2025-05-08. Review status: criteria provided, single submitter. Criteria: GeneDx Variant Classification Process June 2021. Collection method: clinical testing. Allele origin: germline. Affected: yes.
Comment: Observed as a heterozygous variant in patients with Dravet syndrome or diabetic peripheral neuropathy (PMID: 19763161, 37175987). Also observed with another variant in the SCN9A gene in a patient with small fiber neuropathy in published literature (PMID: 30554136); however, it is unknown if the variants are on the same allele (in cis) or on opposite alleles (in trans); Reported previously as a variant of uncertain significance in a patient with CMT1; however, no further clinical or segregation information was provided (PMID: 26392352); Reported previously in a control sample and not seen in case samples from patients with Rolandic epilepsy (PMID: 29358611); In silico analysis supports that this missense variant has a deleterious effect on protein structure/function; This variant is associated with the following publications: (PMID: 28488083, 37175987, 30554136, 37195288, 19763161, 32601768, 29358611, 26392352, 29264398)

Blueprint Genetics
Classification: Likely benign. Last evaluated: 2024-11-21. Review status: criteria provided, single submitter. Criteria: ACMG Guidelines, 2015. Collection method: clinical testing. Allele origin: germline.

Athena Diagnostics
Classification: Uncertain significance. Last evaluated: 2024-10-07. Review status: criteria provided, single submitter. Criteria: Athena Diagnostics Criteria. Collection method: clinical testing. Allele origin: unknown.

ARUP Laboratories, Molecular Genetics and Genomics, ARUP Laboratories
Classification: Uncertain significance. Last evaluated: 2024-05-17. Review status: criteria provided, single submitter. Criteria: ARUP Molecular Germline Variant Investigation Process 2024. Collection method: clinical testing. Allele origin: germline.
Comment: The SCN9A c.1555G>A; p.Glu519Lys variant (rs187453572) is reported in the literature in one individual with febrile seizures and in several individuals with small fiber neuropathy (Almomani 2023, Eijkenboom 2019, Singh 2009). This variant is also reported in ClinVar (Variation ID: 193859) and is found in the non-Finnish European population with an allele frequency of 0.09% (111/128,350 alleles, including one homozygote) in the Genome Aggregation Database. Computational analyses are uncertain whether this variant is neutral or deleterious (REVEL: 0.549). Due to limited information, the clinical significance of the p.Glu519Lys variant is uncertain at this time. References: Almomani R et al. Genetic Profiling of Sodium Channels in Diabetic Painful and Painless and Idiopathic Painful and Painless Neuropathies. Int J Mol Sci. 2023 May 5;24(9):8278. PMID: 37175987. Eijkenboom I et al. Yield of peripheral sodium channels gene screening in pure small fibre neuropathy. J Neurol Neurosurg Psychiatry. 2019 Mar;90(3):342-352. PMID: 30554136. Singh NA et al. A role of SCN9A in human epilepsies, as a cause of febrile seizures and as a potential modifier of Dravet syndrome. PLoS Genet. 2009 Sep;5(9):e1000649. PMID: 19763161.

CeGaT Center for Human Genetics Tuebingen
Classification: Uncertain significance. Last evaluated: 2024-05-01. Review status: criteria provided, single submitter. Criteria: CeGaT Center For Human Genetics Tuebingen Variant Classification Criteria Version 2. Collection method: clinical testing. Allele origin: germline. Affected: yes. Observed: 1 variant allele.

Revvity Omics, Revvity
Classification: Uncertain significance. Last evaluated: 2022-08-11. Review status: criteria provided, single submitter. Criteria: ACMG Guidelines, 2015. Collection method: clinical testing. Allele origin: germline.

Ambry Genetics
Classification: Uncertain significance for Inborn genetic diseases. Last evaluated: 2021-12-15. Review status: criteria provided, single submitter. Criteria: Ambry Variant Classification Scheme 2023. Collection method: clinical testing. Allele origin: germline.
Comment: The p.E519K variant (also known as c.1555G>A), located in coding exon 10 of the SCN9A gene, results from a G to A substitution at nucleotide position 1555. The glutamic acid at codon 519 is replaced by lysine, an amino acid with similar properties. This amino acid position is not well conserved in available vertebrate species. In addition, the in silico prediction for this alteration is inconclusive. Based on the supporting evidence, this variant is unlikely to be causative of primary erythermalgia/small fiber neuropathy, and paroxysmal extreme pain disorder; however, its contribution to the development of congenital insensitivity to pain and hereditary sensory autonomic neuropathy type II is uncertain.

Baylor Genetics
Classification: Uncertain significance for Generalized epilepsy with febrile seizures plus, type 7. Last evaluated: 2019-07-11. Review status: criteria provided, single submitter. Criteria: ACMG Guidelines, 2015. Collection method: clinical testing. Allele origin: unknown. Affected: yes.
Comment: This variant was determined to be of uncertain significance according to ACMG Guidelines, 2015 [PMID:25741868].

Illumina Laboratory Services, Illumina
Classification: Likely benign for Paroxysmal extreme pain disorder. Last evaluated: 2017-04-28. Review status: criteria provided, single submitter. Criteria: ICSL Variant Classification Criteria 13 December 2019. Collection method: clinical testing. Allele origin: germline.
Comment: This variant was observed as part of a predisposition screen in an ostensibly healthy population. A literature search was performed for the gene, cDNA change, and amino acid change (where applicable). No publications were found based on this search. Allele frequency data from public databases allowed determination this variant is unlikely to cause disease. Therefore, this variant is classified as likely benign.

Illumina Laboratory Services, Illumina
Classification: Likely benign for Channelopathy-associated congenital insensitivity to pain, autosomal recessive. Last evaluated: 2017-04-28. Review status: criteria provided, single submitter. Criteria: ICSL Variant Classification Criteria 13 December 2019. Collection method: clinical testing. Allele origin: germline.
Comment: the same text as in the submission from Illumina Laboratory Services, Illumina above.

Illumina Laboratory Services, Illumina
Classification: Likely benign for Primary erythromelalgia. Last evaluated: 2017-04-28. Review status: criteria provided, single submitter. Criteria: ICSL Variant Classification Criteria 13 December 2019. Collection method: clinical testing. Allele origin: germline.
Comment: the same text as in the submission from Illumina Laboratory Services, Illumina above.

Eurofins Ntd Llc (ga)
Classification: Uncertain significance. Last evaluated: 2015-09-09. Review status: criteria provided, single submitter. Criteria: EGL Classification Definitions 2015. Collection method: clinical testing. Allele origin: germline. Observed: 3 variant alleles, 3 heterozygotes.

Clinical Molecular Genetics Laboratory, Johns Hopkins All Children's Hospital
Classification: Uncertain significance for Seizures. Last evaluated: 2017-08-25. Review status: no assertion criteria provided. Collection method: clinical testing. Allele origin: germline. Affected: yes. Not counted in ClinVar's aggregate classification.

Literature cited by the submitters: PubMed 19763161 (cited by 4 submitters); PubMed 30554136 (cited by Mayo Clinic Laboratories, Mayo Clinic and Athena Diagnostics); PubMed 37175987 (cited by Mayo Clinic Laboratories, Mayo Clinic and Athena Diagnostics); PubMed 37195288 (cited by Mayo Clinic Laboratories, Mayo Clinic and Athena Diagnostics); PubMed 32601768 (cited by Athena Diagnostics); PubMed 29264398 (cited by Athena Diagnostics); PubMed 29358611 (cited by Athena Diagnostics); PubMed 26392352 (cited by Athena Diagnostics); PubMed 28488083 (cited by Athena Diagnostics).

NM_001365536.1(SCN9A):c.1555G>A (p.Glu519Lys)

Genes: SCN1A-AS1 (SCN1A and SCN9A antisense RNA 1; plus strand), SCN9A (sodium voltage-gated channel alpha subunit 9; minus strand). Cytogenetic location: 2q24.3.
Variant type: single nucleotide variant.
Coding change: c.1555G>A on transcript NM_001365536.1 (MANE Select); coding-DNA position 1555, G replaced by A.
Protein change: p.Glu519Lys; replaces glutamic acid 519 with lysine.
Molecular consequence: missense variant.
Genome position (GRCh38, 1-based): chr2:166,286,383, C>T on the plus strand (G>A on the coding strand, the complement: SCN9A is on the minus strand). VCF-style: chr2-166286383-C-T. GRCh37 (hg19) VCF-style: chr2-167142893-C-T.
Other names: c.1555G>A, p.Glu519Lys (NM_002977.4); short protein forms E519K.
Identifiers: ClinVar variation 193859 (VCV000193859.59), dbSNP rs187453572, ClinGen allele CA239538.